The following is an entry in ClinVar:

NM_019066.5(MAGEL2):c.3086A>C (p.Gln1029Pro)

Gene: MAGEL2 (MAGE family member L2; minus strand). Cytogenetic location: 15q11.2.
Variant type: single nucleotide variant.
Coding change: c.3086A>C on transcript NM_019066.5 (MANE Select); coding-DNA position 3086, A replaced by C.
Protein change: p.Gln1029Pro; replaces glutamine 1029 with proline.
Molecular consequence: missense variant.
Genome position (GRCh38, 1-based): chr15:23,644,657, T>G on the plus strand (A>C on the coding strand, the complement: MAGEL2 is on the minus strand). VCF-style: chr15-23644657-T-G. GRCh37 (hg19) VCF-style: chr15-23889804-T-G.
Other names: short protein forms Q1029P.
Identifiers: ClinVar variation 3610979 (VCV003610979.2).

ClinVar aggregate classification (germline): Uncertain significance (1 of 4 stars; one submission).

gnomAD v4.1: 9 of 1,613,922 alleles (0.00056%); highest among the groups gnomAD compares: East Asian, 0.018%; no homozygotes.

Submission:

Labcorp Genetics (formerly Invitae), Labcorp
Classification: Uncertain significance. Last evaluated: 2025-04-28. Review status: criteria provided, single submitter. Criteria: Invitae Variant Classification Sherloc (09022015). Collection method: clinical testing. Allele origin: germline.
Comment: This sequence change replaces glutamine, which is neutral and polar, with proline, which is neutral and non-polar, at codon 1029 of the MAGEL2 protein (p.Gln1029Pro). This variant is present in population databases (rs538176500, gnomAD 0.03%). This variant has not been reported in the literature in individuals affected with MAGEL2-related conditions. ClinVar contains an entry for this variant (Variation ID: 3610979). Invitae Evidence Modeling of protein sequence and biophysical properties (such as structural, functional, and spatial information, amino acid conservation, physicochemical variation, residue mobility, and thermodynamic stability) has been performed for this missense variant. However, the output from this modeling did not meet the statistical confidence thresholds required to predict the impact of this variant on MAGEL2 protein function. In summary, the available evidence is currently insufficient to determine the role of this variant in disease. Therefore, it has been classified as a Variant of Uncertain Significance.